The following is an entry in ClinVar:

ClinVar aggregate classification (germline): Uncertain significance (1 of 4 stars; one submission).

Conditions:
Cardiovascular phenotype. Identifiers: MedGen CN230736.

Allele frequency attached by ClinVar (database versions not stated): ExAC 0.00001; gnomAD 0.00001; TOPMed 0.00001; ESP Exome Variant Server 0.00008; gnomAD exomes 0.00001.
gnomAD v4.1: 19 of 1,613,822 alleles (0.0012%); highest among the groups gnomAD compares: Non-Finnish European, 0.0014%; no homozygotes.

Submission:

Ambry Genetics
Classification: Uncertain significance for Cardiovascular phenotype. Last evaluated: 2025-05-18. Review status: criteria provided, single submitter. Criteria: Ambry Variant Classification Scheme 2023. Collection method: clinical testing. Allele origin: germline.
Comment: The p.P952S variant (also known as c.2854C>T), located in coding exon 16 of the SCN10A gene, results from a C to T substitution at nucleotide position 2854. The proline at codon 952 is replaced by serine, an amino acid with similar properties. This amino acid position is conserved. In addition, the in silico prediction for this alteration is inconclusive. Since supporting evidence is limited at this time, the clinical significance of this alteration remains unclear.

NM_006514.4(SCN10A):c.2854C>T (p.Pro952Ser)

Genes: SCN10A (sodium voltage-gated channel alpha subunit 10; minus strand), LOC110121288 (VISTA enhancer hs2268; plus strand). Cytogenetic location: 3p22.2.
Variant type: single nucleotide variant.
Coding change: c.2854C>T on transcript NM_006514.4 (MANE Select); coding-DNA position 2854, C replaced by T.
Protein change: p.Pro952Ser; replaces proline 952 with serine.
Molecular consequence: missense variant.
Genome position (GRCh38, 1-based): chr3:38,726,839, G>A on the plus strand (C>T on the coding strand, the complement: SCN10A is on the minus strand). VCF-style: chr3-38726839-G-A. GRCh37 (hg19) VCF-style: chr3-38768330-G-A.
Other names: c.2854C>T, p.Pro952Ser (NM_001293306.2); c.2560C>T, p.Pro854Ser (NM_001293307.2); short protein forms P952S, P854S.
Identifiers: ClinVar variation 1796876 (VCV001796876.3), dbSNP rs370880796, ClinGen allele CA2320415.